The following is an entry in ClinVar:

ClinVar aggregate classification (germline): Likely benign (0 of 4 stars; one submission).

Conditions:
CGNL1-related disorder. Also called: CGNL1-related condition.

Allele frequency attached by ClinVar (database versions not stated): 1000 Genomes Project 30x 0.00172; 1000 Genomes Project 0.00180; ExAC 0.00185; gnomAD 0.00264; TOPMed 0.00294; ESP Exome Variant Server 0.00378; gnomAD exomes 0.00459.
gnomAD v4.1: 7,064 of 1,613,580 alleles (0.44%); highest among the groups gnomAD compares: Non-Finnish European, 0.55%; 18 homozygotes.

Submission:

PreventionGenetics, part of Exact Sciences
Classification: Likely benign for CGNL1-related condition. Last evaluated: 2022-03-03. Review status: no assertion criteria provided. Collection method: clinical testing. Allele origin: germline.
Comment: This variant is classified as likely benign based on ACMG/AMP sequence variant interpretation guidelines (Richards et al. 2015 PMID: 25741868, with internal and published modifications).

NM_032866.5(CGNL1):c.2542C>T (p.Leu848Phe)

Gene: CGNL1 (cingulin like 1; plus strand). Cytogenetic location: 15q21.3.
Variant type: single nucleotide variant.
Coding change: c.2542C>T on transcript NM_032866.5 (MANE Select); coding-DNA position 2542, C replaced by T.
Protein change: p.Leu848Phe; replaces leucine 848 with phenylalanine.
Molecular consequence: missense variant.
Genome position (GRCh38, 1-based): chr15:57,516,918, C>T. VCF-style: chr15-57516918-C-T. GRCh37 (hg19) VCF-style: chr15-57809116-C-T.
Other names: c.2542C>T, p.Leu848Phe (NM_001252335.2); short protein forms L848F.
Identifiers: ClinVar variation 3055494 (VCV003055494.2), dbSNP rs139813604, ClinGen allele CA7582196.